The following is an entry in ClinVar:

ClinVar aggregate classification (germline): Pathogenic (1 of 4 stars; one submission).

Submission:

Labcorp Genetics (formerly Invitae), Labcorp
Classification: Pathogenic. Last evaluated: 2025-03-04. Review status: criteria provided, single submitter. Criteria: Invitae Variant Classification Sherloc (09022015). Collection method: clinical testing. Allele origin: germline.
Comment: This sequence change replaces glycine, which is neutral and non-polar, with aspartic acid, which is acidic and polar, at codon 225 of the COL2A1 protein (p.Gly225Asp). This variant is not present in population databases (gnomAD no frequency). This missense change has been observed in individual(s) with Stickler syndrome (internal data). Invitae Evidence Modeling of protein sequence and biophysical properties (such as structural, functional, and spatial information, amino acid conservation, physicochemical variation, residue mobility, and thermodynamic stability) indicates that this missense variant is expected to disrupt COL2A1 protein function with a positive predictive value of 95%. This variant disrupts the triple helix domain of COL2A1. Glycine residues within the Gly-Xaa-Yaa repeats of the triple helix domain are required for the structure and stability of fibrillar collagens (PMID: 7695699, 8218237, 19344236). In COL2A1, variants affecting these glycine residues are significantly enriched in individuals with disease (PMID: 9016532, 17078022) compared to the general population (ExAC). For these reasons, this variant has been classified as Pathogenic.

Literature cited by the submitters: PubMed 7695699; PubMed 8218237; PubMed 19344236; PubMed 9016532; PubMed 17078022.

NM_001844.5(COL2A1):c.674G>A (p.Gly225Asp)

Gene: COL2A1 (collagen type II alpha 1 chain; minus strand). Cytogenetic location: 12q13.11.
Variant type: single nucleotide variant.
Coding change: c.674G>A on transcript NM_001844.5 (MANE Select); coding-DNA position 674, G replaced by A.
Protein change: p.Gly225Asp; replaces glycine 225 with aspartic acid.
Molecular consequence: missense variant.
Genome position (GRCh38, 1-based): chr12:47,995,744, C>T on the plus strand (G>A on the coding strand, the complement: COL2A1 is on the minus strand). VCF-style: chr12-47995744-C-T. GRCh37 (hg19) VCF-style: chr12-48389527-C-T.
Other names: c.467G>A, p.Gly156Asp (NM_033150.3); short protein forms G156D, G225D.
Identifiers: ClinVar variation 4747081 (VCV004747081.1).